The following is an entry in ClinVar:

NM_001276270.2(MBD4):c.147T>C (p.Asp49=)

Gene: MBD4 (methyl-CpG binding domain 4, DNA glycosylase; minus strand). Cytogenetic location: 3q21.3.
Variant type: single nucleotide variant.
Coding change: c.147T>C on transcript NM_001276270.2 (MANE Select); coding-DNA position 147, T replaced by C.
Protein change: p.Asp49=; no amino-acid change (aspartic acid 49 retained).
Molecular consequence: synonymous variant.
Genome position (GRCh38, 1-based): chr3:129,437,908, A>G on the plus strand (T>C on the coding strand, the complement: MBD4 is on the minus strand). VCF-style: chr3-129437908-A-G. GRCh37 (hg19) VCF-style: chr3-129156751-A-G.
Other names: c.147T>C, p.Asp49= (NM_001276271.2, NM_001276272.2, NM_001276273.2 and 1 more transcripts).
Identifiers: ClinVar variation 3618566 (VCV003618566.4).

ClinVar aggregate classification (germline): Benign/Likely benign. Review status: criteria provided, multiple submitters, no conflicts (2 of 4 stars). 3 submissions from 3 submitters: Benign (1); Likely benign (2). Last evaluated 2026-06-09.

Conditions:
Inborn genetic diseases. Identifiers: MedGen C0950123, MeSH D030342.
Tumor predisposition syndrome 2 (TPDS2). Also called: MBD4-ASSOCIATED NEOPLASIA SYNDROME; MBD4-Related Tumor Predisposition Syndrome; MBD4-associated neoplasia syndrome (MANS). Identifiers: Orphanet 661526, MedGen C5774186, MONDO:0859267, OMIM 619975.

gnomAD v4.1: 16 of 1,613,696 alleles (0.00099%); highest among the groups gnomAD compares: Non-Finnish European, 0.0014%; no homozygotes.

Submissions (3):

Myriad Genetics, Inc.
Classification: Benign for Tumor predisposition syndrome 2. Last evaluated: 2026-06-09. Review status: criteria provided, single submitter. Criteria: Myriad Autosomal Dominant, Autosomal Recessive and X-Linked Classification Criteria (2023). Collection method: clinical testing. Allele origin: unknown.
Comment: This variant is considered benign. This variant is a silent/synonymous amino acid change and it is not expected to impact splicing.

Labcorp Genetics (formerly Invitae), Labcorp
Classification: Likely benign. Last evaluated: 2025-11-13. Review status: criteria provided, single submitter. Criteria: Invitae Variant Classification Sherloc (09022015). Collection method: clinical testing. Allele origin: germline.

Ambry Genetics
Classification: Likely benign for Inborn genetic diseases. Last evaluated: 2025-04-18. Review status: criteria provided, single submitter. Criteria: Ambry Variant Classification Scheme 2023. Collection method: clinical testing. Allele origin: germline.